The following is an entry in ClinVar:

NM_021930.6(RINT1):c.2136T>C (p.Leu712=)

Genes: EFCAB10 (EF-hand calcium binding domain 10; minus strand), RINT1 (RAD50 interactor 1; plus strand). Cytogenetic location: 7q22.3.
Variant type: single nucleotide variant.
Coding change: c.2136T>C on transcript NM_021930.6 (MANE Select); coding-DNA position 2136, T replaced by C.
Protein change: p.Leu712=; no amino-acid change (leucine 712 retained).
Molecular consequence: synonymous variant. On other transcripts: missense variant (1), non-coding transcript variant (1), intron variant (2).
Genome position (GRCh38, 1-based): chr7:105,565,598, T>C. VCF-style: chr7-105565598-T-C. GRCh37 (hg19) VCF-style: chr7-105206045-T-C.
Other names: c.401A>G, p.Lys134Arg (NM_001355530.2); c.1902T>C, p.Leu634= (NM_001346599.2); c.1113T>C, p.Leu371= (NM_001346600.2, NM_001346603.2); c.1212T>C, p.Leu404= (NM_001346601.2); c.360-151A>G (NM_001355531.2); c.384-151A>G (NM_001355526.2); short protein forms K134R.
Identifiers: ClinVar variation 241404 (VCV000241404.16), dbSNP rs765770922, ClinGen allele CA4426878.

ClinVar aggregate classification (germline): Likely benign. Review status: criteria provided, multiple submitters, no conflicts (2 of 4 stars). 3 submissions from 3 submitters: Likely benign (2). 1 of the submissions does not count toward it. Last evaluated 2024-09-23.

Conditions:
RINT1-related disorder. Also called: RINT1-related condition.

Allele frequency attached by ClinVar (database versions not stated): ExAC 0.00001; gnomAD exomes 0.00002 and 0.00005; TOPMed 0.00002; gnomAD 0.00003.
gnomAD v4.1: 36 of 1,613,826 alleles (0.0022%); highest among the groups gnomAD compares: Non-Finnish European, 0.0028%; no homozygotes.

Submissions (3):

Labcorp Genetics (formerly Invitae), Labcorp
Classification: Likely benign. Last evaluated: 2024-09-23. Review status: criteria provided, single submitter. Criteria: Invitae Variant Classification Sherloc (09022015). Collection method: clinical testing. Allele origin: germline.

Ambry Genetics
Classification: Likely benign. Last evaluated: 2021-01-28. Review status: criteria provided, single submitter. Criteria: Ambry Variant Classification Scheme 2023. Collection method: clinical testing. Allele origin: germline.

PreventionGenetics, part of Exact Sciences
Classification: Likely benign for RINT1-related condition. Last evaluated: 2019-03-27. Review status: no assertion criteria provided. Collection method: clinical testing. Allele origin: germline. Not counted in ClinVar's aggregate classification.
Comment: This variant is classified as likely benign based on ACMG/AMP sequence variant interpretation guidelines (Richards et al. 2015 PMID: 25741868, with internal and published modifications).